The following is an entry in ClinVar:

NM_152383.5(DIS3L2):c.536A>G (p.His179Arg)

Gene: DIS3L2 (DIS3 like 3'-5' exoribonuclease 2; plus strand). Cytogenetic location: 2q37.1.
Variant type: single nucleotide variant.
Coding change: c.536A>G on transcript NM_152383.5 (MANE Select); coding-DNA position 536, A replaced by G.
Protein change: p.His179Arg; replaces histidine 179 with arginine.
Molecular consequence: missense variant. On other transcripts: non-coding transcript variant (2).
Genome position (GRCh38, 1-based): chr2:232,087,656, A>G. VCF-style: chr2-232087656-A-G. GRCh37 (hg19) VCF-style: chr2-232952366-A-G.
Other names: c.536A>G, p.His179Arg (NM_001257281.2, NM_001257282.2); short protein forms H179R.
Identifiers: ClinVar variation 1447604 (VCV001447604.8), dbSNP rs2106309596, ClinGen allele CA351155198.

ClinVar aggregate classification (germline): Uncertain significance (1 of 4 stars; one submission).

Conditions:
Perlman syndrome (PRLMNS). Identifiers: Orphanet 2849, MedGen C0796113, MONDO:0009965, OMIM 267000.

gnomAD v4.1: 1 of 1,614,184 alleles (0.000062%); highest among the groups gnomAD compares: Admixed American, 0.0017%; no homozygotes.

Submission:

Labcorp Genetics (formerly Invitae), Labcorp
Classification: Uncertain significance for Perlman syndrome. Last evaluated: 2023-04-29. Review status: criteria provided, single submitter. Criteria: Invitae Variant Classification Sherloc (09022015). Collection method: clinical testing. Allele origin: germline.
Comment: In summary, the available evidence is currently insufficient to determine the role of this variant in disease. Therefore, it has been classified as a Variant of Uncertain Significance. An algorithm developed to predict the effect of missense changes on protein structure and function (PolyPhen-2) suggests that this variant is likely to be tolerated. ClinVar contains an entry for this variant (Variation ID: 1447604). This variant has not been reported in the literature in individuals affected with DIS3L2-related conditions. This variant is not present in population databases (gnomAD no frequency). This sequence change replaces histidine, which is basic and polar, with arginine, which is basic and polar, at codon 179 of the DIS3L2 protein (p.His179Arg).